The following is an entry in ClinVar:

ClinVar aggregate classification (germline): Pathogenic (1 of 4 stars; one submission).

Conditions:
Infantile neuroaxonal dystrophy (NBIA2A). Also called: NEURODEGENERATION WITH BRAIN IRON ACCUMULATION 2A; SEITELBERGER DISEASE; Infantile neuroaxonal dystrophy 1. Identifiers: Orphanet 35069, MedGen C0270724, MONDO:0024457, OMIM 256600.

Submission:

Labcorp Genetics (formerly Invitae), Labcorp
Classification: Pathogenic for Infantile neuroaxonal dystrophy. Last evaluated: 2024-02-19. Review status: criteria provided, single submitter. Criteria: Invitae Variant Classification Sherloc (09022015). Collection method: clinical testing. Allele origin: germline.
Comment: This sequence change replaces glycine, which is neutral and non-polar, with arginine, which is basic and polar, at codon 347 of the PLA2G6 protein (p.Gly347Arg). This variant is not present in population databases (gnomAD no frequency). This missense change has been observed in individuals with PLA2G6-related conditions (PMID: 16783378, 18799783, 25634434). It has also been observed to segregate with disease in related individuals. Advanced modeling of protein sequence and biophysical properties (such as structural, functional, and spatial information, amino acid conservation, physicochemical variation, residue mobility, and thermodynamic stability) performed at Invitae indicates that this missense variant is expected to disrupt PLA2G6 protein function with a positive predictive value of 80%. For these reasons, this variant has been classified as Pathogenic.

Literature cited by the submitters: PubMed 16783378; PubMed 18799783; PubMed 25634434.

NM_003560.4(PLA2G6):c.1039G>C (p.Gly347Arg)

Gene: PLA2G6 (phospholipase A2 group VI; minus strand). Cytogenetic location: 22q13.1.
Variant type: single nucleotide variant.
Coding change: c.1039G>C on transcript NM_003560.4 (MANE Select); coding-DNA position 1039, G replaced by C.
Protein change: p.Gly347Arg; replaces glycine 347 with arginine.
Molecular consequence: missense variant.
Genome position (GRCh38, 1-based): chr22:38,132,869, C>G on the plus strand (G>C on the coding strand, the complement: PLA2G6 is on the minus strand). VCF-style: chr22-38132869-C-G. GRCh37 (hg19) VCF-style: chr22-38528876-C-G.
Other names: c.1039G>C, p.Gly347Arg (NM_001004426.3, NM_001199562.3, NM_001349864.2 and 2 more transcripts); c.505G>C, p.Gly169Arg (NM_001349867.2, NM_001349869.2); c.361G>C, p.Gly121Arg (NM_001349868.2); short protein forms G121R, G169R, G347R.
Identifiers: ClinVar variation 3626800 (VCV003626800.2).
Genomic context (GRCh38, chr22:38,132,869, plus strand): 5'-GGACACGCGGTCCTGGGCTCACCGACATGGCCAGGTGCAGCGGGGTGTTGCCGTGCTCTC[C>G]GCGGGCATCCGCGTTGGCCCCGTGGGTCAGCAGCACTATGGCACAGTCGAAGCGGTTGCG-3'
Protein context (NP_003551.2, residues 337-357): LTHGANADAR[Gly347Arg]EHGNTPLHLA